The following is an entry in ClinVar:

NM_001128840.3(CACNA1D):c.372A>C (p.Glu124Asp)

Gene: CACNA1D (calcium voltage-gated channel subunit alpha1 D; plus strand). Cytogenetic location: 3p21.1.
Variant type: single nucleotide variant.
Coding change: c.372A>C on transcript NM_001128840.3 (MANE Select); coding-DNA position 372, A replaced by C.
Protein change: p.Glu124Asp; replaces glutamic acid 124 with aspartic acid.
Molecular consequence: missense variant.
Genome position (GRCh38, 1-based): chr3:53,497,456, A>C. VCF-style: chr3-53497456-A-C. GRCh37 (hg19) VCF-style: chr3-53531483-A-C.
Other names: c.372A>C, p.Glu124Asp (NM_000720.4, NM_001128839.3); short protein forms E124D.
Identifiers: ClinVar variation 1424142 (VCV001424142.8), dbSNP rs368995943, ClinGen allele CA2453661.
Genomic context (GRCh38, chr3:53,497,456, plus strand): 5'-CGCCCTTTTCTGTTTATCACTCAATAACCCCATCCGAAGAGCCTGCATTAGTATAGTGGA[A>C]TGGAAGTATCCTTTTTTTGGGGGAAGTCTTTCTCATTTTCTCTTTTACCATCTGTTTTTT-3'
Protein context (NP_001122312.1, residues 114-134): PIRRACISIV[Glu124Asp]WKPFDIFILL

ClinVar aggregate classification (germline): Uncertain significance (1 of 4 stars; one submission).

Allele frequency attached by ClinVar (database versions not stated): gnomAD 0.00001; TOPMed 0.00002; ESP Exome Variant Server 0.00008; gnomAD exomes 0.00001; ExAC 0.00002.
gnomAD v4.1: 148 of 1,613,868 alleles (0.0092%); highest among the groups gnomAD compares: Non-Finnish European, 0.012%; no homozygotes.

Submission:

Labcorp Genetics (formerly Invitae), Labcorp
Classification: Uncertain significance. Last evaluated: 2025-02-17. Review status: criteria provided, single submitter. Criteria: Invitae Variant Classification Sherloc (09022015). Collection method: clinical testing. Allele origin: germline.
Comment: This sequence change replaces glutamic acid, which is acidic and polar, with aspartic acid, which is acidic and polar, at codon 124 of the CACNA1D protein (p.Glu124Asp). This variant is present in population databases (rs368995943, gnomAD 0.007%). This variant has not been reported in the literature in individuals affected with CACNA1D-related conditions. ClinVar contains an entry for this variant (Variation ID: 1424142). Invitae Evidence Modeling of protein sequence and biophysical properties (such as structural, functional, and spatial information, amino acid conservation, physicochemical variation, residue mobility, and thermodynamic stability) indicates that this missense variant is not expected to disrupt CACNA1D protein function with a negative predictive value of 80%. In summary, the available evidence is currently insufficient to determine the role of this variant in disease. Therefore, it has been classified as a Variant of Uncertain Significance.